The following is an entry in ClinVar:

ClinVar aggregate classification (germline): Benign (1 of 4 stars; one submission).

Allele frequency attached by ClinVar (database versions not stated): TOPMed 0.13725; 1000 Genomes Project 30x 0.16961; 1000 Genomes Project 0.17669.
gnomAD v4.1: 15,465 of 110,825 alleles (14%); highest among the groups gnomAD compares: East Asian, 25%; 867 homozygotes.

Submission:

GeneDx
Classification: Benign. Last evaluated: 2018-06-16. Review status: criteria provided, single submitter. Criteria: GeneDx Variant Classification (06012015). Collection method: clinical testing. Allele origin: germline. Affected: yes.
Comment: This variant is considered likely benign or benign based on one or more of the following criteria: it is a conservative change, it occurs at a poorly conserved position in the protein, it is predicted to be benign by multiple in silico algorithms, and/or has population frequency not consistent with disease.

NM_004006.3(DMD):c.7310-250C>T

Gene: DMD (dystrophin; minus strand). Cytogenetic location: Xp21.1.
Variant type: single nucleotide variant.
Coding change: c.7310-250C>T on transcript NM_004006.3 (MANE Select); 250 bases into the intron before coding-DNA position 7310, C replaced by T.
Molecular consequence: intron variant.
Genome position (GRCh38, 1-based): chrX:31,774,442, G>A on the plus strand (C>T on the coding strand, the complement: DMD is on the minus strand). VCF-style: chrX-31774442-G-A. GRCh37 (hg19) VCF-style: chrX-31792559-G-A.
Other names: c.7286-250C>T (NM_000109.4); c.3287-250C>T (NM_004011.4); c.3278-250C>T (NM_004012.4); c.-71-250C>T (NM_004023.3, NM_004020.4, NM_004022.3 and 2 more transcripts); c.7298-250C>T (NM_004009.3); c.6941-250C>T (NM_004010.3).
Identifiers: ClinVar variation 679287 (VCV000679287.1), dbSNP rs5927855, ClinGen allele CA328470513.